The following is an entry in ClinVar:

ClinVar aggregate classification (germline): Uncertain significance (1 of 4 stars; one submission).

Conditions:
Progressive sclerosing poliodystrophy (MTDPS4A). Also called: Mitochondrial DNA Depletion Syndrome 4A; ALPERS PROGRESSIVE INFANTILE POLIODYSTROPHY; NEURONAL DEGENERATION OF CHILDHOOD WITH LIVER DISEASE, PROGRESSIVE; Mitochondrial DNA depletion syndrome 4A (Alpers type); Alpers-Huttenlocher Syndrome (AHS); Alpers Syndrome. Identifiers: Orphanet 726, MedGen C0205710, MONDO:0008758, OMIM 203700.

Allele frequency attached by ClinVar (database versions not stated): ExAC 0.00206.

Submission:

Labcorp Genetics (formerly Invitae), Labcorp
Classification: Uncertain significance for Progressive sclerosing poliodystrophy. Last evaluated: 2022-04-07. Review status: criteria provided, single submitter. Criteria: Invitae Variant Classification Sherloc (09022015). Collection method: clinical testing. Allele origin: germline.
Comment: In summary, the available evidence is currently insufficient to determine the role of this variant in disease. Therefore, it has been classified as a Variant of Uncertain Significance. Algorithms developed to predict the effect of missense changes on protein structure and function output the following: SIFT: "Tolerated"; PolyPhen-2: "Benign"; Align-GVGD: "Class C0". The aspartic acid amino acid residue is found in multiple mammalian species, which suggests that this missense change does not adversely affect protein function. This variant has not been reported in the literature in individuals affected with POLG-related conditions. The frequency data for this variant in the population databases is considered unreliable, as metrics indicate poor data quality at this position in the gnomAD database. This sequence change replaces glutamic acid, which is acidic and polar, with aspartic acid, which is acidic and polar, at codon 506 of the POLG protein (p.Glu506Asp).

NM_002693.3(POLG):c.1518A>C (p.Glu506Asp)

Gene: POLG (DNA polymerase gamma, catalytic subunit; minus strand). Cytogenetic location: 15q26.1.
Variant type: single nucleotide variant.
Coding change: c.1518A>C on transcript NM_002693.3 (MANE Select); coding-DNA position 1518, A replaced by C.
Protein change: p.Glu506Asp; replaces glutamic acid 506 with aspartic acid.
Molecular consequence: missense variant.
Genome position (GRCh38, 1-based): chr15:89,326,979, T>G on the plus strand (A>C on the coding strand, the complement: POLG is on the minus strand). VCF-style: chr15-89326979-T-G. GRCh37 (hg19) VCF-style: chr15-89870210-T-G.
Other names: c.1518A>C, p.Glu506Asp (NM_001126131.2); short protein forms E506D.
Identifiers: ClinVar variation 1972101 (VCV001972101.5), dbSNP rs777706086, ClinGen allele CA7724818.